The following is an entry in ClinVar:

NM_000057.4(BLM):c.3701G>A (p.Gly1234Asp)

Gene: BLM (BLM RecQ like helicase; plus strand). Cytogenetic location: 15q26.1.
Variant type: single nucleotide variant.
Coding change: c.3701G>A on transcript NM_000057.4 (MANE Select); coding-DNA position 3701, G replaced by A.
Protein change: p.Gly1234Asp; replaces glycine 1234 with aspartic acid.
Molecular consequence: missense variant. On other transcripts: intron variant (1).
Genome position (GRCh38, 1-based): chr15:90,804,309, G>A. VCF-style: chr15-90804309-G-A. GRCh37 (hg19) VCF-style: chr15-91347539-G-A.
Other names: c.3701G>A, p.Gly1234Asp (NM_001287246.2); c.2576G>A, p.Gly859Asp (NM_001287248.2); c.3359-4828G>A (NM_001287247.2); short protein forms G1234D, G859D.
Identifiers: ClinVar variation 1734106 (VCV001734106.7), dbSNP rs1897237331, ClinGen allele CA393848199.

ClinVar aggregate classification (germline): Uncertain significance. Review status: criteria provided, multiple submitters, no conflicts (2 of 4 stars). 2 submissions from 2 submitters: Uncertain significance (2). Last evaluated 2022-07-13.

Conditions:
Hereditary cancer-predisposing syndrome. Also called: Neoplastic Syndromes, Hereditary; Tumor predisposition; Hereditary Cancer Syndrome; Hereditary neoplastic syndrome. Identifiers: Orphanet 140162, MedGen C0027672, MeSH D009386, MONDO:0015356.
Bloom syndrome (BLM). Also called: Bloom-Torre-Machacek syndrome. Identifiers: Orphanet 125, MedGen C0005859, MONDO:0008876, OMIM 210900.

Allele frequency attached by ClinVar (database versions not stated): gnomAD exomes below 0.00001; TOPMed below 0.00001.
gnomAD v4.1: 1 of 1,614,168 alleles (0.000062%); highest among the groups gnomAD compares: Non-Finnish European, 0.000085%; no homozygotes.

Submissions (2):

Labcorp Genetics (formerly Invitae), Labcorp
Classification: Uncertain significance for Bloom syndrome. Last evaluated: 2022-07-13. Review status: criteria provided, single submitter. Criteria: Invitae Variant Classification Sherloc (09022015). Collection method: clinical testing. Allele origin: germline.
Comment: In summary, the available evidence is currently insufficient to determine the role of this variant in disease. Therefore, it has been classified as a Variant of Uncertain Significance. Algorithms developed to predict the effect of missense changes on protein structure and function are either unavailable or do not agree on the potential impact of this missense change (SIFT: "Tolerated"; PolyPhen-2: "Possibly Damaging"; Align-GVGD: "Class C0"). This variant has not been reported in the literature in individuals affected with BLM-related conditions. This variant is not present in population databases (gnomAD no frequency). This sequence change replaces glycine, which is neutral and non-polar, with aspartic acid, which is acidic and polar, at codon 1234 of the BLM protein (p.Gly1234Asp).

Ambry Genetics
Classification: Uncertain significance for Hereditary cancer-predisposing syndrome. Last evaluated: 2022-03-02. Review status: criteria provided, single submitter. Criteria: Ambry Variant Classification Scheme 2023. Collection method: clinical testing. Allele origin: germline.
Comment: The p.G1234D variant (also known as c.3701G>A), located in coding exon 18 of the BLM gene, results from a G to A substitution at nucleotide position 3701. The glycine at codon 1234 is replaced by aspartic acid, an amino acid with similar properties. This amino acid position is conserved. In addition, the in silico prediction for this alteration is inconclusive. Since supporting evidence is limited at this time, the clinical significance of this alteration remains unclear.